The following is an entry in ClinVar:

NM_004006.3(DMD):c.2858C>T (p.Thr953Ile)

Gene: DMD (dystrophin; minus strand). Cytogenetic location: Xp21.1.
Variant type: single nucleotide variant.
Coding change: c.2858C>T on transcript NM_004006.3 (MANE Select); coding-DNA position 2858, C replaced by T.
Protein change: p.Thr953Ile; replaces threonine 953 with isoleucine.
Molecular consequence: missense variant.
Genome position (GRCh38, 1-based): chrX:32,472,255, G>A on the plus strand (C>T on the coding strand, the complement: DMD is on the minus strand). VCF-style: chrX-32472255-G-A. GRCh37 (hg19) VCF-style: chrX-32490372-G-A.
Other names: c.2834C>T, p.Thr945Ile (NM_000109.4); c.2846C>T, p.Thr949Ile (NM_004009.3); c.2489C>T, p.Thr830Ile (NM_004010.3); short protein forms T953I, T945I, T830I, T949I.
Identifiers: ClinVar variation 388184 (VCV000388184.22), dbSNP rs142133195, ClinGen allele CA10379419.
Genomic context (GRCh38, chrX:32,472,255, plus strand): 5'-TCATAGTCGGTGACACTAAGTTGAGGTATGGAGAGTTTGGTTTCTGACTGCTGGACCCAT[G>A]TCCTGATGGCACTCATGGTCTCCTGATAGCGCATTGGTGGCAAAGTGTCAAAAACTTTAT-3'
Protein context (NP_003997.2, residues 943-963): RYQETMSAIR[Thr953Ile]WVQQSETKLS

ClinVar aggregate classification (germline): Conflicting classifications of pathogenicity. Review status: criteria provided, conflicting classifications (1 of 4 stars). 8 submissions from 8 submitters: Uncertain significance (2); Likely benign (4). 2 of the submissions do not count toward it. Last evaluated 2026-06-16.

Conditions:
DMD-related disorder. Also called: DMD-related condition.
Cardiovascular phenotype. Identifiers: MedGen CN230736.
Duchenne muscular dystrophy (DMD). Also called: MUSCULAR DYSTROPHY, PSEUDOHYPERTROPHIC PROGRESSIVE, DUCHENNE TYPE; Duchenne Muscular Dystrophy (DMD). Identifiers: Orphanet 98896, MedGen C0013264, MONDO:0010679, OMIM 310200.
Becker muscular dystrophy (BMD). Also called: Becker Muscular Dystrophy (BMD); MUSCULAR DYSTROPHY, PSEUDOHYPERTROPHIC PROGRESSIVE, BECKER TYPE. Identifiers: Orphanet 98895, MedGen C0917713, MONDO:0010311, OMIM 300376.
Dystrophin deficiency.
Cardiomyopathy (CMYO). Also called: Cardiomyopathies. Identifiers: Orphanet 167848, MedGen C0878544, MONDO:0004994, HP:0001638. Inheritance: Various modes of inheritance.

Allele frequency attached by ClinVar (database versions not stated): gnomAD exomes 0.00001 and 0.00003; ExAC 0.00003; ESP Exome Variant Server 0.00009; TOPMed 0.00013; gnomAD 0.00016 and 0.00017.
gnomAD v4.1: 23 of 1,208,782 alleles (0.0019%); highest among the groups gnomAD compares: African/African-American, 0.039%; no homozygotes.

Submissions (8):

Ambry Genetics
Classification: Likely benign for Cardiovascular phenotype. Last evaluated: 2026-06-16. Review status: criteria provided, single submitter. Criteria: Ambry Variant Classification Scheme 2023. Collection method: clinical testing. Allele origin: germline.

CeGaT Center for Human Genetics Tuebingen
Classification: Likely benign. Last evaluated: 2026-04-01. Review status: criteria provided, single submitter. Criteria: CeGaT Center For Human Genetics Tuebingen Variant Classification Criteria Version 2. Collection method: clinical testing. Allele origin: germline. Affected: yes. Observed: 2 variant alleles.
Comment: DMD: BP4, BS2

Labcorp Genetics (formerly Invitae), Labcorp
Classification: Likely benign for Duchenne muscular dystrophy. Last evaluated: 2026-01-21. Review status: criteria provided, single submitter. Criteria: Invitae Variant Classification Sherloc (09022015). Collection method: clinical testing. Allele origin: germline.

Women's Health and Genetics/Laboratory Corporation of America, LabCorp
Classification: Uncertain significance. Last evaluated: 2026-01-16. Review status: criteria provided, single submitter. Criteria: LabCorp Variant Classification Summary - May 2015. Collection method: clinical testing. Allele origin: germline.

Revvity Omics, Revvity
Classification: Uncertain significance. Last evaluated: 2023-11-21. Review status: criteria provided, single submitter. Criteria: ACMG Guidelines, 2015. Collection method: clinical testing. Allele origin: germline.

GeneDx
Classification: Likely benign. Last evaluated: 2016-08-16. Review status: criteria provided, single submitter. Criteria: GeneDx Variant Classification (06012015). Collection method: clinical testing. Allele origin: germline. Affected: yes.
Comment: This variant is considered likely benign or benign based on one or more of the following criteria: it is a conservative change, it occurs at a poorly conserved position in the protein, it is predicted to be benign by multiple in silico algorithms, and/or has population frequency not consistent with disease.

PreventionGenetics, part of Exact Sciences
Classification: Likely benign for DMD-related condition. Last evaluated: 2022-08-17. Review status: no assertion criteria provided. Collection method: clinical testing. Allele origin: germline. Not counted in ClinVar's aggregate classification.
Comment: This variant is classified as likely benign based on ACMG/AMP sequence variant interpretation guidelines (Richards et al. 2015 PMID: 25741868, with internal and published modifications).

Natera, Inc.
Classification: Likely benign for Becker muscular dystrophy; Cardiomyopathy; Duchenne muscular dystrophy; Dystrophin deficiency. Last evaluated: 2018-05-27. Review status: no assertion criteria provided. Collection method: clinical testing. Allele origin: germline. Not counted in ClinVar's aggregate classification.